The following is an entry in ClinVar:

ClinVar aggregate classification (germline): Conflicting classifications of pathogenicity. Review status: criteria provided, conflicting classifications (1 of 4 stars). 2 submissions from 2 submitters: Pathogenic (1); Uncertain significance (1). Last evaluated 2025-11-21.

Conditions:
Cardiovascular phenotype. Identifiers: MedGen CN230736.
Dilated cardiomyopathy 1DD (CMD1DD). Identifiers: Orphanet 154, MedGen C2750995, MONDO:0013168, OMIM 613172.

Submissions (2):

Labcorp Genetics (formerly Invitae), Labcorp
Classification: Pathogenic for Dilated cardiomyopathy 1DD. Last evaluated: 2025-11-21. Review status: criteria provided, single submitter. Criteria: Invitae Variant Classification Sherloc (09022015). Collection method: clinical testing. Allele origin: germline.
Comment: This sequence change creates a premature translational stop signal (p.Glu725Valfs*34) in the RBM20 gene. It is expected to result in an absent or disrupted protein product. Loss-of-function variants in RBM20 are known to be pathogenic (PMID: 20590677, 22004663, 38288598, 38510713, 40339755). This variant is not present in population databases (gnomAD no frequency). This premature translational stop signal has been observed in individual(s) with atrial fibrillation (PMID: 38510713). ClinVar contains an entry for this variant (Variation ID: 3431244). For these reasons, this variant has been classified as Pathogenic.

Ambry Genetics
Classification: Uncertain significance for Cardiovascular phenotype. Last evaluated: 2024-10-29. Review status: criteria provided, single submitter. Criteria: Ambry Variant Classification Scheme 2023. Collection method: clinical testing. Allele origin: germline.
Comment: The c.2167_2173dupTTGGACG variant, located in coding exon 9 of the RBM20 gene, results from a duplication of TTGGACG at nucleotide position 2167, causing a translational frameshift with a predicted alternate stop codon (p.E725Vfs*34). This alteration is expected to result in protein truncation or nonsense-mediated mRNA decay. However, loss of function of RBM20 has not been established as a mechanism of disease. Based on the available evidence, the clinical significance of this alteration remains unclear.

Literature cited by the submitters: PubMed 20590677 (cited by Labcorp Genetics (formerly Invitae), Labcorp); PubMed 22004663 (cited by Labcorp Genetics (formerly Invitae), Labcorp); PubMed 38288598 (cited by Labcorp Genetics (formerly Invitae), Labcorp); PubMed 38510713 (cited by Labcorp Genetics (formerly Invitae), Labcorp); PubMed 40339755 (cited by Labcorp Genetics (formerly Invitae), Labcorp).

NM_001134363.3(RBM20):c.2167_2173dup (p.Glu725fs)

Gene: RBM20 (RNA binding motif protein 20; plus strand). Cytogenetic location: 10q25.2.
Variant type: Duplication.
Coding change: c.2167_2173dup on transcript NM_001134363.3 (MANE Select); coding-DNA positions 2167 to 2173, 7 bases duplicated (TTGGACG; older notation c.2167_2173dupTTGGACG).
Protein change: p.Glu725fs; shifts the reading frame from glutamic acid 725.
Molecular consequence: frameshift variant.
Genome position (GRCh38, 1-based): chr10:110,812,564-110,812,570, TTGGACG duplicated; duplicating any 7 consecutive bases within chr10:110,812,563-110,812,570 gives the same sequence; the c. name uses the placement nearest the transcript's 3' end. VCF-style (leftmost placement, unchanged base first): chr10-110812562-A-AGTTGGAC. GRCh37 (hg19) VCF-style: chr10-112572320-A-AGTTGGAC.
Other names: c.2167_2173dupTTGGACG (NM_001134363.1); short protein forms E725fs.
Identifiers: ClinVar variation 3431244 (VCV003431244.2).